The following is an entry in ClinVar:

NM_170606.3(KMT2C):c.6339A>C (p.Ser2113=)

Gene: KMT2C (lysine methyltransferase 2C; minus strand). Cytogenetic location: 7q36.1.
Variant type: single nucleotide variant.
Coding change: c.6339A>C on transcript NM_170606.3 (MANE Select); coding-DNA position 6339, A replaced by C.
Protein change: p.Ser2113=; no amino-acid change (serine 2113 retained).
Molecular consequence: synonymous variant.
Genome position (GRCh38, 1-based): chr7:152,181,521, T>G on the plus strand (A>C on the coding strand, the complement: KMT2C is on the minus strand). VCF-style: chr7-152181521-T-G. GRCh37 (hg19) VCF-style: chr7-151878606-T-G.
Identifiers: ClinVar variation 778028 (VCV000778028.43), dbSNP rs73161892, ClinGen allele CA4580093.

ClinVar aggregate classification (germline): Benign/Likely benign. Review status: criteria provided, multiple submitters, no conflicts (2 of 4 stars). 7 submissions from 7 submitters: Benign (3); Likely benign (3). 1 of the submissions does not count toward it. Last evaluated 2026-09-01.

Conditions:
Syndromic intellectual disability. Also called: Intellectual disability syndrome. Identifiers: Orphanet 183763, MedGen C5680525, MONDO:0000508.
Tip-toe gait. Also called: Toe walking. Identifiers: MedGen C0427144, HP:0030051.

Allele frequency attached by ClinVar (database versions not stated): 1000 Genomes Project 30x 0.00187; 1000 Genomes Project 0.00200; TOPMed 0.00692; ESP Exome Variant Server 0.00753.
gnomAD v4.1: 16,304 of 1,614,026 alleles (1%); highest among the groups gnomAD compares: Non-Finnish European, 1.3%; 104 homozygotes.

Submissions (17):

CeGaT Center for Human Genetics Tuebingen
Classification: Benign. Last evaluated: 2026-09-01. Review status: criteria provided, single submitter. Criteria: CeGaT Center For Human Genetics Tuebingen Variant Classification Criteria Version 2. Collection method: clinical testing. Allele origin: germline. Affected: yes. Observed: 38 variant alleles.
Comment: KMT2C: BP4, BP7, BS1, BS2

Labcorp Genetics (formerly Invitae), Labcorp
Classification: Benign. Last evaluated: 2026-01-17. Review status: criteria provided, single submitter. Criteria: Invitae Variant Classification Sherloc (09022015). Collection method: clinical testing. Allele origin: germline.

Laboratory of Genetics, Children's Clinical University Hospital Latvia
Classification: Likely benign. Last evaluated: 2025-02-16. Review status: criteria provided, single submitter. Criteria: ACMG Guidelines, 2015. Collection method: clinical testing. Allele origin: germline. Affected: yes.

Blueprint Genetics
Classification: Likely benign. Last evaluated: 2024-11-25. Review status: criteria provided, single submitter. Criteria: ACMG Guidelines, 2015. Collection method: clinical testing. Allele origin: germline.

Laboratory for Molecular Medicine, Mass General Brigham Personalized Medicine
Classification: Likely benign. Last evaluated: 2024-01-01. Review status: criteria provided, single submitter. Criteria: ACMG Guidelines, 2015. Collection method: clinical testing. Allele origin: germline.
Comment: The p.Ser2113Ser variant in KMT2C is classified as likely benign because it has been identified in 1.1% (795/68002) of European chromosomes by gnomAD (v.3.1.2). In addition it does not alter an amino acid residue, is not located within the splice consensus site, and computational splice prediction tools do not predict an impact on splicing. ACMG/AMP Criteria applied: BS1, BP7.

Molecular Genetics, Royal Melbourne Hospital
Classification: Benign for Syndromic intellectual disability. Last evaluated: 2023-06-06. Review status: criteria provided, single submitter. Criteria: ACMG Guidelines, 2015. Collection method: clinical testing. Allele origin: germline. Inheritance: Autosomal dominant inheritance. Affected: no.

Dr. Peter K. Rogan Lab, Western University
No classification provided (evidence only). Condition: Lung cancer. Review status: no classification provided. Collection method: in vitro. Allele origin: not applicable. Functional consequence: retained intron. Not counted in ClinVar's aggregate classification.

Dr. Peter K. Rogan Lab, Western University
No classification provided (evidence only). Condition: Lung cancer. Review status: no classification provided. Collection method: in vitro. Allele origin: not applicable. Functional consequence: retained intron. Not counted in ClinVar's aggregate classification.

Dr. Peter K. Rogan Lab, Western University
No classification provided (evidence only). Condition: Lung cancer. Review status: no classification provided. Collection method: in vitro. Allele origin: not applicable. Functional consequence: retained intron. Not counted in ClinVar's aggregate classification.

Dr. Peter K. Rogan Lab, Western University
No classification provided (evidence only). Condition: Acute myeloid leukemia. Review status: no classification provided. Collection method: in vitro. Allele origin: not applicable. Functional consequence: retained intron. Not counted in ClinVar's aggregate classification.

Dr. Peter K. Rogan Lab, Western University
No classification provided (evidence only). Condition: Colon adenocarcinoma. Review status: no classification provided. Collection method: in vitro. Allele origin: not applicable. Functional consequence: retained intron. Not counted in ClinVar's aggregate classification.

Dr. Peter K. Rogan Lab, Western University
No classification provided (evidence only). Condition: Colorectal cancer. Review status: no classification provided. Collection method: in vitro. Allele origin: not applicable. Functional consequence: retained intron. Not counted in ClinVar's aggregate classification.

Dr. Peter K. Rogan Lab, Western University
No classification provided (evidence only). Condition: Thymoma. Review status: no classification provided. Collection method: in vitro. Allele origin: not applicable. Functional consequence: retained intron. Not counted in ClinVar's aggregate classification.

Dr. Peter K. Rogan Lab, Western University
No classification provided (evidence only). Condition: Adrenocortical carcinoma, hereditary. Review status: no classification provided. Collection method: in vitro. Allele origin: not applicable. Functional consequence: retained intron. Not counted in ClinVar's aggregate classification.

Dr. Peter K. Rogan Lab, Western University
No classification provided (evidence only). Condition: Malignant tumor of esophagus. Review status: no classification provided. Collection method: in vitro. Allele origin: not applicable. Functional consequence: retained intron. Not counted in ClinVar's aggregate classification.

Dr. Peter K. Rogan Lab, Western University
No classification provided (evidence only). Condition: Malignant tumor of esophagus. Review status: no classification provided. Collection method: in vitro. Allele origin: not applicable. Functional consequence: retained intron. Not counted in ClinVar's aggregate classification.

Practice for Gait Abnormalities, David Pomarino, Competency Network Toe Walking C/o Practice Pomarino
Classification: Pathogenic for Tip-toe gait. Last evaluated: 2021-10-21. Review status: flagged submission. Criteria: ACMG Guidelines, 2015. Collection method: clinical testing. Allele origin: unknown. Affected: yes. Not counted in ClinVar's aggregate classification.
Comment: Hereditary motor sensory neuropathy (HMSN), also known as Charcot-Marie-Tooth Disease (CMT), is the most commonly inherited peripheral polyneuropathy. It constitutes a group of inherited, progressive, motor and sensory peripheral nerve disorders with properties of demyelination, axonal degeneration, or both. It is classified by clinical characteristics, modes of inheritance, electrophysiologic features, metabolic defects, and specific gene markers. Our patients all walk on tiptoe, so they show similar symptoms. When we genetically test them with our toe walking panel, we find that around 90 per cent of them have a genetic variant that explains their toe walking. These can be assigned, for example, to the area of myopathies (such as variants of the COL6A3 gene), the area of hereditary neuropathies (such as variants of the KMT2C gene) or the area of metabolic diseases (such as variants of the PYGM gene). In a smaller group of patients with almost identical symptoms, no abnormality is found in the genes of our panel, but spastic paraplegia can be detected. In another small group of our toe walkers, no abnormalities can be detected in the genes analysed in our toe walking panel, nor do they suffer from spastic paraplegia, as is also the case with healthy children. In contrast to these, however, they show a tiptoe gait. These patients suffer from infantile cerebral palsy, in which toe walking can also be observed.
ClinVar note: Notes: This gene has insufficient supporting evidence for isolated tip-toe gait.
ClinVar note: Reason: Older and outlier claim with insufficient supporting evidence

Literature cited by the submitters: PubMed 37091313 (cited by Practice for Gait Abnormalities, David Pomarino, Competency Network Toe Walking C/o Practice Pomarino).